The following is an entry in ClinVar:

NM_000128.4(F11):c.1452_1453del (p.Lys485fs)

Gene: F11 (coagulation factor XI; plus strand). Cytogenetic location: 4q35.2.
Variant type: Deletion.
Coding change: c.1452_1453del on transcript NM_000128.4 (MANE Select); coding-DNA positions 1452 to 1453, 2 bases deleted (GA; older notation c.1452_1453delGA).
Protein change: p.Lys485fs; shifts the reading frame from lysine 485.
Molecular consequence: frameshift variant.
Genome position (GRCh38, 1-based): chr4:186,285,785-186,285,786, GA deleted. VCF-style (leftmost placement, unchanged base first): chr4-186285784-TGA-T. GRCh37 (hg19) VCF-style: chr4-187206938-TGA-T.
Other names: c.1404_1405del, p.Lys469fs (NM_001440590.1, NM_001440596.1); c.1452_1453del, p.Lys485fs (NM_001440593.1); c.1182_1183del, p.Lys395fs (NM_001440605.1, NM_001440607.1); c.1134_1135del, p.Lys379fs (NM_001440606.1, NM_001440608.1); short protein forms K379fs, K395fs, K469fs, K485fs.
Identifiers: ClinVar variation 5010552 (VCV005010552.1).

ClinVar aggregate classification (germline): Pathogenic (1 of 4 stars; one submission).

Conditions:
Hereditary factor XI deficiency disease. Also called: PLASMA THROMBOPLASTIN ANTECEDENT DEFICIENCY; PTA DEFICIENCY; ROSENTHAL SYNDROME; Congenital factor XI deficiency. Identifiers: Orphanet 329, MedGen C0015523, MeSH D005173, MONDO:0012897, OMIM 612416.

Submission:

Myriad Genetics, Inc.
Classification: Pathogenic for Hereditary factor XI deficiency disease. Last evaluated: 2024-05-14. Review status: criteria provided, single submitter. Criteria: Myriad Autosomal Dominant, Autosomal Recessive and X-Linked Classification Criteria (2023). Collection method: clinical testing. Allele origin: unknown.
Comment: NM_000128.3(F11):c.1452_1453delGA(K485Tfs*22) is expected to be pathogenic in the context of factor XI deficiency. This variant is predicted to lead to an abnormal or absent protein product due to the creation of a premature termination codon in F11, a gene where loss-of-function variants are known to be pathogenic. Please note: this variant was assessed in the context of healthy population screening.